The following is an entry in ClinVar:

NM_017752.3(TBC1D8B):c.2277A>T (p.Glu759Asp)

Gene: TBC1D8B (TBC1 domain family member 8B; plus strand). Cytogenetic location: Xq22.3.
Variant type: single nucleotide variant.
Coding change: c.2277A>T on transcript NM_017752.3 (MANE Select); coding-DNA position 2277, A replaced by T.
Protein change: p.Glu759Asp; replaces glutamic acid 759 with aspartic acid.
Molecular consequence: missense variant.
Genome position (GRCh38, 1-based): chrX:106,854,221, A>T. VCF-style: chrX-106854221-A-T. GRCh37 (hg19) VCF-style: chrX-106097451-A-T.
Other names: short protein forms E759D.
Identifiers: ClinVar variation 2977888 (VCV002977888.3), dbSNP rs142096245, ClinGen allele CA10483313.

ClinVar aggregate classification (germline): Uncertain significance (1 of 4 stars; one submission).

Allele frequency attached by ClinVar (database versions not stated): gnomAD exomes below 0.00001; ExAC 0.00002; gnomAD 0.00007; TOPMed 0.00007; ESP Exome Variant Server 0.00028.
gnomAD v4.1: 13 of 1,173,577 alleles (0.0011%); highest among the groups gnomAD compares: African/African-American, 0.024%; no homozygotes.

Submission:

Labcorp Genetics (formerly Invitae), Labcorp
Classification: Uncertain significance. Last evaluated: 2023-08-22. Review status: criteria provided, single submitter. Criteria: Invitae Variant Classification Sherloc (09022015). Collection method: clinical testing. Allele origin: germline.
Comment: In summary, the available evidence is currently insufficient to determine the role of this variant in disease. Therefore, it has been classified as a Variant of Uncertain Significance. An algorithm developed to predict the effect of missense changes on protein structure and function (PolyPhen-2) suggests that this variant is likely to be tolerated. This variant has not been reported in the literature in individuals affected with TBC1D8B-related conditions. This variant is present in population databases (rs142096245, gnomAD 0.02%). This sequence change replaces glutamic acid, which is acidic and polar, with aspartic acid, which is acidic and polar, at codon 759 of the TBC1D8B protein (p.Glu759Asp).